The following is an entry in ClinVar:

NM_001127453.2(GSDME):c.826T>C (p.Ser276Pro)

Gene: GSDME (gasdermin E; minus strand). Cytogenetic location: 7p15.3.
Variant type: single nucleotide variant.
Coding change: c.826T>C on transcript NM_001127453.2 (MANE Select); coding-DNA position 826, T replaced by C.
Protein change: p.Ser276Pro; replaces serine 276 with proline.
Molecular consequence: missense variant.
Genome position (GRCh38, 1-based): chr7:24,710,260, A>G on the plus strand (T>C on the coding strand, the complement: GSDME is on the minus strand). VCF-style: chr7-24710260-A-G. GRCh37 (hg19) VCF-style: chr7-24749879-A-G.
Other names: c.334T>C, p.Ser112Pro (NM_001127454.2); c.826T>C, p.Ser276Pro (NM_004403.3); short protein forms S276P, S112P.
Identifiers: ClinVar variation 163038 (VCV000163038.5), dbSNP rs727502954, ClinGen allele CA175633.

ClinVar aggregate classification (germline): Conflicting classifications of pathogenicity. Review status: criteria provided, conflicting classifications (1 of 4 stars). 2 submissions from 2 submitters: Uncertain significance (1); Likely benign (1). Last evaluated 2025-02-08.

Conditions:
Inborn genetic diseases. Identifiers: MedGen C0950123, MeSH D030342.

Allele frequency attached by ClinVar (database versions not stated): gnomAD 0.00001; ExAC 0.00003; TOPMed 0.00001; gnomAD exomes 0.00003.
gnomAD v4.1: 25 of 1,614,062 alleles (0.0015%); highest among the groups gnomAD compares: Non-Finnish European, 0.00059%; no homozygotes.

Submissions (2):

Ambry Genetics
Classification: Uncertain significance for Inborn genetic diseases. Last evaluated: 2025-02-08. Review status: criteria provided, single submitter. Criteria: Ambry Variant Classification Scheme 2023. Collection method: clinical testing. Allele origin: germline.

Laboratory for Molecular Medicine, Mass General Brigham Personalized Medicine
Classification: Likely benign. Last evaluated: 2014-07-16. Review status: criteria provided, single submitter. Criteria: LMM Criteria. Collection method: clinical testing. Allele origin: germline. Observed: 1 variant allele.
Comment: Ser276Pro in exon 6 of DFNA5: This variant is not expected to have clinical sign ificance due to a lack of conservation across species, including mammals. Of not e, dolphin, killer whale, horse, cow, Egyptian jerboa, white rhinoceros, and pan da have a proline (Pro) at this position despite high nearby amino acid conserva tion. In addition, computational prediction tools do not suggest a high likelih ood of impact to the protein.